The following is an entry in ClinVar:

ClinVar aggregate classification (germline): Likely benign. Review status: criteria provided, multiple submitters, no conflicts (2 of 4 stars). 4 submissions from 4 submitters: Likely benign (4). Last evaluated 2025-12-01.

Conditions:
Cardiovascular phenotype. Identifiers: MedGen CN230736.
Arrhythmogenic cardiomyopathy with wooly hair and keratoderma. Also called: Arrhythmogenic cardiomyopathy with woolly hair and keratoderma; PALMOPLANTAR KERATODERMA WITH LEFT VENTRICULAR CARDIOMYOPATHY AND WOOLLY HAIR; Carvajal syndrome; Dilated cardiomyopathy with woolly hair and keratoderma. Identifiers: Orphanet 65282, MedGen C1854063, MONDO:0011581, OMIM 605676.
Arrhythmogenic right ventricular dysplasia 8 (ARVD8). Also called: Arrhythmogenic Right Ventricular Dysplasia/Cardiomyopathy 8; ARRHYTHMOGENIC RIGHT VENTRICULAR DYSPLASIA, FAMILIAL, 8; ARRHYTHMOGENIC RIGHT VENTRICULAR CARDIOMYOPATHY 8. Identifiers: MedGen C1843896, MONDO:0011831, OMIM 607450.
Cardiomyopathy (CMYO). Also called: Cardiomyopathies. Identifiers: Orphanet 167848, MedGen C0878544, MONDO:0004994, HP:0001638. Inheritance: Various modes of inheritance.

Allele frequency attached by ClinVar (database versions not stated): gnomAD 0.00001 and 0.00002; ExAC 0.00002; gnomAD exomes 0.00002 and 0.00010; TOPMed 0.00002.
gnomAD v4.1: 152 of 1,613,986 alleles (0.0094%); highest among the groups gnomAD compares: Non-Finnish European, 0.013%; no homozygotes.

Submissions (4):

Labcorp Genetics (formerly Invitae), Labcorp
Classification: Likely benign for Arrhythmogenic cardiomyopathy with wooly hair and keratoderma; Arrhythmogenic right ventricular dysplasia 8. Last evaluated: 2025-12-01. Review status: criteria provided, single submitter. Criteria: Invitae Variant Classification Sherloc (09022015). Collection method: clinical testing. Allele origin: germline.

All of Us Research Program, National Institutes of Health
Classification: Likely benign for Arrhythmogenic cardiomyopathy with wooly hair and keratoderma. Last evaluated: 2024-06-11. Review status: criteria provided, single submitter. Criteria: ACMG Guidelines, 2015. Collection method: clinical testing. Allele origin: germline. Inheritance: Autosomal dominant inheritance. Observed: 7 variant alleles, 7 heterozygotes.
Comment: This study involves interpretation of variants in research participants for the purpose of population health screening. Participant phenotype was not available at the time of variant classification. Additional details can be found in publication PMID: 35346344, PMCID: PMC8962531

Ambry Genetics
Classification: Likely benign for Cardiovascular phenotype. Last evaluated: 2019-10-31. Review status: criteria provided, single submitter. Criteria: Ambry Variant Classification Scheme 2023. Collection method: clinical testing. Allele origin: germline.

Color Diagnostics, LLC DBA Color Health
Classification: Likely benign for Cardiomyopathy. Last evaluated: 2018-07-20. Review status: criteria provided, single submitter. Criteria: ACMG Guidelines, 2015. Collection method: clinical testing. Allele origin: germline.

NM_004415.4(DSP):c.1725T>C (p.Asp575=)

Gene: DSP (desmoplakin; plus strand). Cytogenetic location: 6p24.3.
Variant type: single nucleotide variant.
Coding change: c.1725T>C on transcript NM_004415.4 (MANE Select); coding-DNA position 1725, T replaced by C.
Protein change: p.Asp575=; no amino-acid change (aspartic acid 575 retained).
Molecular consequence: synonymous variant.
Genome position (GRCh38, 1-based): chr6:7,571,406, T>C. VCF-style: chr6-7571406-T-C. GRCh37 (hg19) VCF-style: chr6-7571639-T-C.
Other names: c.1725T>C (LRG_423t1); c.1725T>C, p.Asp575= (NM_001008844.3, NM_001319034.2).
Identifiers: ClinVar variation 413275 (VCV000413275.18), dbSNP rs756392585, ClinGen allele CA029782.